The following is an entry in ClinVar:

ClinVar aggregate classification (germline): Benign (1 of 4 stars; one submission).

Allele frequency attached by ClinVar (database versions not stated): gnomAD 0.03578 and 0.03841; TOPMed 0.04101; 1000 Genomes Project 0.04173; 1000 Genomes Project 30x 0.04544.
gnomAD v4.1: 5,416 of 152,232 alleles (3.6%); highest among the groups gnomAD compares: African/African-American, 12%; 297 homozygotes.

Submission:

GeneDx
Classification: Benign. Last evaluated: 2018-06-14. Review status: criteria provided, single submitter. Criteria: GeneDx Variant Classification (06012015). Collection method: clinical testing. Allele origin: germline. Affected: yes.
Comment: This variant is considered likely benign or benign based on one or more of the following criteria: it is a conservative change, it occurs at a poorly conserved position in the protein, it is predicted to be benign by multiple in silico algorithms, and/or has population frequency not consistent with disease.

NM_002887.4(RARS1):c.1626-279C>T

Gene: RARS1 (arginyl-tRNA synthetase 1; plus strand). Cytogenetic location: 5q34.
Variant type: single nucleotide variant.
Coding change: c.1626-279C>T on transcript NM_002887.4 (MANE Select); 279 bases into the intron before coding-DNA position 1626, C replaced by T.
Molecular consequence: intron variant.
Genome position (GRCh38, 1-based): chr5:168,517,536, C>T. VCF-style: chr5-168517536-C-T. GRCh37 (hg19) VCF-style: chr5-167944541-C-T.
Identifiers: ClinVar variation 673234 (VCV000673234.1), dbSNP rs11958698, ClinGen allele CA12125594.